The following is an entry in ClinVar:

NM_000170.3(GLDC):c.1512G>C (p.Glu504Asp)

Gene: GLDC (glycine decarboxylase; minus strand). Cytogenetic location: 9p24.1.
Variant type: single nucleotide variant.
Coding change: c.1512G>C on transcript NM_000170.3 (MANE Select); coding-DNA position 1512, G replaced by C.
Protein change: p.Glu504Asp; replaces glutamic acid 504 with aspartic acid.
Molecular consequence: missense variant.
Genome position (GRCh38, 1-based): chr9:6,589,263, C>G on the plus strand (G>C on the coding strand, the complement: GLDC is on the minus strand). VCF-style: chr9-6589263-C-G. GRCh37 (hg19) VCF-style: chr9-6589263-C-G.
Other names: short protein forms E504D.
Identifiers: ClinVar variation 2057532 (VCV002057532.1), dbSNP rs2489080265, ClinGen allele CA372893342.

ClinVar aggregate classification (germline): Uncertain significance (1 of 4 stars; one submission).

Conditions:
Glycine encephalopathy. Also called: Nonketotic hyperglycinemia; Non-ketotic hyperglycinemia. Identifiers: Orphanet 407, MedGen C0751748, MONDO:0011612, HP:0008288.

gnomAD v4.1: 9 of 1,609,734 alleles (0.00056%); highest among the groups gnomAD compares: Non-Finnish European, 0.00077%; no homozygotes.

Submission:

Labcorp Genetics (formerly Invitae), Labcorp
Classification: Uncertain significance for Glycine encephalopathy. Last evaluated: 2022-06-04. Review status: criteria provided, single submitter. Criteria: Invitae Variant Classification Sherloc (09022015). Collection method: clinical testing. Allele origin: germline.
Comment: This sequence change replaces glutamic acid, which is acidic and polar, with aspartic acid, which is acidic and polar, at codon 504 of the GLDC protein (p.Glu504Asp). This variant is not present in population databases (gnomAD no frequency). This variant has not been reported in the literature in individuals affected with GLDC-related conditions. Advanced modeling of protein sequence and biophysical properties (such as structural, functional, and spatial information, amino acid conservation, physicochemical variation, residue mobility, and thermodynamic stability) performed at Invitae indicates that this missense variant is not expected to disrupt GLDC protein function. In summary, the available evidence is currently insufficient to determine the role of this variant in disease. Therefore, it has been classified as a Variant of Uncertain Significance.